The following is an entry in ClinVar:

ClinVar aggregate classification (germline): Pathogenic (1 of 4 stars; one submission).

Conditions:
Hereditary cancer-predisposing syndrome. Also called: Neoplastic Syndromes, Hereditary; Tumor predisposition; Hereditary Cancer Syndrome; Hereditary neoplastic syndrome. Identifiers: Orphanet 140162, MedGen C0027672, MeSH D009386, MONDO:0015356.

Submission:

Molecular Diagnostics Laboratory, Catalan Institute of Oncology
Classification: Pathogenic for Hereditary cancer-predisposing syndrome. Last evaluated: 2024-12-03. Review status: criteria provided, single submitter. Criteria: ClinGen BRCA1BRCA2 ACMG Specifications BRCA2 V1.0.0. Collection method: clinical testing. Allele origin: germline.
Comment: PVS1, PM5_PTC_Strong c.7262_7263del, located in exon 14 of the BRCA2 gene, consists in the delection of two nucleotides, causing a translational frameshift with a predicted alternate stop codon, p.(Gln2421Leufs*3). This alteration is expected to result in loss of function by premature protein truncation and nonsense-mediated mRNA decay (PVS1, PM5_PTC_Strong). It is not present in the population database gnomAD v2.1.1, non cancer dataset. The SpliceAI algorithm predicts no effect on splicing. To our knowledge, neither relevant clinical data nor functional studies have been reported for this variant. Also, the variant has not been identified neither ClinVar, LOVD nor BRCA Exchange databases. Based on currently available information, the variant c.7262_7263del is considered a pathogenic variant according to ClinGen-BRCA1 and BRCA2 Guidelines version 1.0.0.

NM_000059.4(BRCA2):c.7262_7263del (p.Gln2421fs)

Gene: BRCA2 (BRCA2 DNA repair associated; plus strand). Cytogenetic location: 13q13.1.
Variant type: Deletion.
Coding change: c.7262_7263del on transcript NM_000059.4 (MANE Select); coding-DNA positions 7262 to 7263, 2 bases deleted (AG; older notation c.7262_7263delAG).
Protein change: p.Gln2421fs; shifts the reading frame from glutamine 2421.
Molecular consequence: frameshift variant. On other transcripts: non-coding transcript variant (1).
Genome position (GRCh38, 1-based): chr13:32,355,115-32,355,116, AG deleted. VCF-style (leftmost placement, unchanged base first): chr13-32355114-CAG-C. GRCh37 (hg19) VCF-style: chr13-32929251-CAG-C.
Other names: c.7166_7167del, p.Gln2389fs (NM_001406719.1); c.7262_7263del, p.Gln2421fs (NM_001406720.1, NM_001432077.1); c.2330_2331del, p.Gln777fs (NM_001406721.1); c.845_846del, p.Gln282fs (NM_001406722.1); short protein forms Q2389fs, Q2421fs, Q282fs, Q777fs.
Identifiers: ClinVar variation 3893672 (VCV003893672.1).